The following is an entry in ClinVar:

ClinVar aggregate classification (germline): Benign/Likely benign. Review status: criteria provided, multiple submitters, no conflicts (2 of 4 stars). 3 submissions from 3 submitters: Benign (1); Likely benign (2). Last evaluated 2026-07-02.

Conditions:
Sessile serrated polyposis cancer syndrome (SSPCS). Identifiers: Orphanet 157798, MedGen C4310714, MONDO:0014919, OMIM 617108.

Allele frequency attached by ClinVar (database versions not stated): TOPMed 0.00001; gnomAD 0.00001.
gnomAD v4.1: 33 of 1,614,220 alleles (0.002%); highest among the groups gnomAD compares: Non-Finnish European, 0.0026%; no homozygotes.

Submissions (3):

Myriad Genetics, Inc.
Classification: Benign for Sessile serrated polyposis cancer syndrome. Last evaluated: 2026-07-02. Review status: criteria provided, single submitter. Criteria: Myriad Autosomal Dominant, Autosomal Recessive and X-Linked Classification Criteria (2023). Collection method: clinical testing. Allele origin: unknown.
Comment: This variant is considered benign. This variant is a silent/synonymous amino acid change and it is not expected to impact splicing.

Labcorp Genetics (formerly Invitae), Labcorp
Classification: Likely benign. Last evaluated: 2025-08-11. Review status: criteria provided, single submitter. Criteria: Invitae Variant Classification Sherloc (09022015). Collection method: clinical testing. Allele origin: germline.

Ambry Genetics
Classification: Likely benign. Last evaluated: 2024-12-03. Review status: criteria provided, single submitter. Criteria: Ambry Variant Classification Scheme 2023. Collection method: clinical testing. Allele origin: germline.

NM_017763.6(RNF43):c.2253C>T (p.Thr751=)

Gene: RNF43 (ring finger protein 43; minus strand). Cytogenetic location: 17q22.
Variant type: single nucleotide variant.
Coding change: c.2253C>T on transcript NM_017763.6 (MANE Select); coding-DNA position 2253, C replaced by T.
Protein change: p.Thr751=; no amino-acid change (threonine 751 retained).
Molecular consequence: synonymous variant.
Genome position (GRCh38, 1-based): chr17:58,357,523, G>A on the plus strand (C>T on the coding strand, the complement: RNF43 is on the minus strand). VCF-style: chr17-58357523-G-A. GRCh37 (hg19) VCF-style: chr17-56434884-G-A.
Other names: c.1872C>T, p.Thr624= (NM_001305545.2); c.2253C>T, p.Thr751= (NM_001305544.3).
Identifiers: ClinVar variation 1586930 (VCV001586930.10), dbSNP rs755350796, ClinGen allele CA292030364.